The following is an entry in ClinVar:

NM_002971.6(SATB1):c.913C>T (p.Pro305Ser)

Gene: SATB1 (SATB homeobox 1; minus strand). Cytogenetic location: 3p24.3.
Variant type: single nucleotide variant.
Coding change: c.913C>T on transcript NM_002971.6 (MANE Select); coding-DNA position 913, C replaced by T.
Protein change: p.Pro305Ser; replaces proline 305 with serine.
Molecular consequence: missense variant.
Genome position (GRCh38, 1-based): chr3:18,394,755, G>A on the plus strand (C>T on the coding strand, the complement: SATB1 is on the minus strand). VCF-style: chr3-18394755-G-A. GRCh37 (hg19) VCF-style: chr3-18436247-G-A.
Other names: c.913C>T, p.Pro305Ser (NM_001131010.4, NM_001195470.3, NM_001322871.2 and 4 more transcripts); c.697C>T, p.Pro233Ser (NM_001322876.2); short protein forms P233S, P305S.
Identifiers: ClinVar variation 5017906 (VCV005017906.1).

ClinVar aggregate classification (germline): Uncertain significance (1 of 4 stars; one submission).

gnomAD v4.1: 1 of 1,614,116 alleles (0.000062%); highest among the groups gnomAD compares: Non-Finnish European, 0.000085%; no homozygotes.

Submission:

GeneDx
Classification: Uncertain significance. Last evaluated: 2026-03-29. Review status: criteria provided, single submitter. Criteria: GeneDx Variant Classification Process June 2021. Collection method: clinical testing. Allele origin: germline.
Comment: Not observed at significant frequency in large population cohorts (gnomAD); In silico analysis supports that this missense variant has a deleterious effect on protein structure/function; Has not been previously published as pathogenic or benign to our knowledge